The following is an entry in ClinVar:

NM_000368.5(TSC1):c.541C>A (p.His181Asn)

Gene: TSC1 (TSC complex subunit 1; minus strand). Cytogenetic location: 9q34.13.
Variant type: single nucleotide variant.
Coding change: c.541C>A on transcript NM_000368.5 (MANE Select); coding-DNA position 541, C replaced by A.
Protein change: p.His181Asn; replaces histidine 181 with asparagine.
Molecular consequence: missense variant.
Genome position (GRCh38, 1-based): chr9:132,921,941, G>T on the plus strand (C>A on the coding strand, the complement: TSC1 is on the minus strand). VCF-style: chr9-132921941-G-T. GRCh37 (hg19) VCF-style: chr9-135797328-G-T.
Other names: c.541C>A, p.His181Asn (NM_001162426.2, NM_001406592.1, NM_001406593.1 and 16 more transcripts); c.388C>A, p.His130Asn (NM_001162427.2, NM_001406610.1, NM_001406611.1 and 2 more transcripts); c.178C>A, p.His60Asn (NM_001362177.2, NM_001406614.1, NM_001406615.1 and 10 more transcripts); c.-337C>A (NM_001406626.1, NM_001406627.1, NM_001406628.1); c.-479C>A (NM_001406629.1); c.-553C>A (NM_001406630.1); short protein forms H130N, H181N, H60N.
Identifiers: ClinVar variation 1720096 (VCV001720096.5), dbSNP rs1057524690, ClinGen allele CA375372817.
Genomic context (GRCh38, chr9:132,921,941, plus strand): 5'-AGACGAAGTTGCAAGGGTACATTCCATAAAGGCGATGAAAGAGTGCGTACACACTGGCAT[G>T]GAGATGGACGAGATAGACTTCCGCCACGTGGCCTAGAAAAGGAACCCGTTGAGAAGAGCC-3'
Protein context (NP_000359.1, residues 171-191): HVAEVYLVHL[His181Asn]ASVYALFHRL

ClinVar aggregate classification (germline): Uncertain significance (1 of 4 stars; one submission).

Conditions:
Tuberous sclerosis 1 (TSC1). Identifiers: Orphanet 805, MedGen C1854465, MONDO:0008612, OMIM 191100.

Submission:

Labcorp Genetics (formerly Invitae), Labcorp
Classification: Uncertain significance for Tuberous sclerosis 1. Last evaluated: 2022-09-22. Review status: criteria provided, single submitter. Criteria: Invitae Variant Classification Sherloc (09022015). Collection method: clinical testing. Allele origin: germline.
Comment: This sequence change replaces histidine, which is basic and polar, with asparagine, which is neutral and polar, at codon 181 of the TSC1 protein (p.His181Asn). In summary, the available evidence is currently insufficient to determine the role of this variant in disease. Therefore, it has been classified as a Variant of Uncertain Significance. Advanced modeling of protein sequence and biophysical properties (such as structural, functional, and spatial information, amino acid conservation, physicochemical variation, residue mobility, and thermodynamic stability) performed at Invitae indicates that this missense variant is not expected to disrupt TSC1 protein function. This variant has not been reported in the literature in individuals affected with TSC1-related conditions. This variant is not present in population databases (gnomAD no frequency).